The following is an entry in ClinVar:

NM_005886.3(KATNB1):c.1046+9C>G

Gene: KATNB1 (katanin regulatory subunit B1; plus strand). Cytogenetic location: 16q21.
Variant type: single nucleotide variant.
Coding change: c.1046+9C>G on transcript NM_005886.3 (MANE Select); 9 bases into the intron after coding-DNA position 1046, C replaced by G.
Molecular consequence: intron variant.
Genome position (GRCh38, 1-based): chr16:57,753,276, C>G. VCF-style: chr16-57753276-C-G. GRCh37 (hg19) VCF-style: chr16-57787188-C-G.
Identifiers: ClinVar variation 1337693 (VCV001337693.14), dbSNP rs372112294, ClinGen allele CA8080986.

ClinVar aggregate classification (germline): Conflicting classifications of pathogenicity. Review status: criteria provided, conflicting classifications (1 of 4 stars). 4 submissions from 4 submitters: Uncertain significance (1); Benign (1); Likely benign (1). 1 of the submissions does not count toward it. Last evaluated 2026-01-01.

Conditions:
KATNB1-related disorder. Also called: KATNB1-related condition.

Allele frequency attached by ClinVar (database versions not stated): gnomAD exomes 0.00049; ESP Exome Variant Server 0.00056; ExAC 0.00064.
gnomAD v4.1: 980 of 1,590,840 alleles (0.062%); highest among the groups gnomAD compares: Middle Eastern, 0.12%; 2 homozygotes.

Submissions (4):

Labcorp Genetics (formerly Invitae), Labcorp
Classification: Benign. Last evaluated: 2026-01-01. Review status: criteria provided, single submitter. Criteria: Invitae Variant Classification Sherloc (09022015). Collection method: clinical testing. Allele origin: germline.

Blueprint Genetics
Classification: Likely benign. Last evaluated: 2024-11-27. Review status: criteria provided, single submitter. Criteria: ACMG Guidelines, 2015. Collection method: clinical testing. Allele origin: germline.

Genetic Services Laboratory, University of Chicago
Classification: Uncertain significance. Last evaluated: 2019-01-18. Review status: criteria provided, single submitter. Criteria: ACMG Guidelines, 2015. Collection method: clinical testing. Allele origin: germline. Affected: no.

PreventionGenetics, part of Exact Sciences
Classification: Likely benign for KATNB1-related condition. Last evaluated: 2019-03-22. Review status: no assertion criteria provided. Collection method: clinical testing. Allele origin: germline. Not counted in ClinVar's aggregate classification.
Comment: This variant is classified as likely benign based on ACMG/AMP sequence variant interpretation guidelines (Richards et al. 2015 PMID: 25741868, with internal and published modifications).